The following is an entry in ClinVar:

NM_001387430.1(SH2B1):c.1514-4G>T

Gene: SH2B1 (SH2B adaptor protein 1; plus strand). Cytogenetic location: 16p11.2.
Variant type: single nucleotide variant.
Coding change: c.1514-4G>T on transcript NM_001387430.1 (MANE Select); 4 bases into the intron before coding-DNA position 1514, G replaced by T.
Molecular consequence: intron variant.
Genome position (GRCh38, 1-based): chr16:28,872,186, G>T. VCF-style: chr16-28872186-G-T. GRCh37 (hg19) VCF-style: chr16-28883507-G-T.
Other names: c.1514-4G>T (NM_001308293.2, NM_001387404.1, NM_015503.3 and 4 more transcripts); c.506-4G>T (NM_001308294.2).
Identifiers: ClinVar variation 757395 (VCV000757395.4), dbSNP rs745602022, ClinGen allele CA7986243.

ClinVar aggregate classification (germline): Likely benign. Review status: criteria provided, single submitter (1 of 4 stars). 2 submissions from 2 submitters: Likely benign (1). 1 of the submissions does not count toward it. Last evaluated 2018-07-06.

Conditions:
SH2B1-related disorder. Also called: SH2B1-related condition.

Allele frequency attached by ClinVar (database versions not stated): gnomAD exomes below 0.00001; TOPMed below 0.00001; ExAC 0.00001; gnomAD 0.00001.
gnomAD v4.1: 35 of 1,611,076 alleles (0.0022%); highest among the groups gnomAD compares: Non-Finnish European, 0.003%; no homozygotes.

Submissions (2):

Labcorp Genetics (formerly Invitae), Labcorp
Classification: Likely benign. Last evaluated: 2018-07-06. Review status: criteria provided, single submitter. Criteria: Invitae Variant Classification Sherloc (09022015). Collection method: clinical testing. Allele origin: germline.

PreventionGenetics, part of Exact Sciences
Classification: Likely benign for SH2B1-related condition. Last evaluated: 2023-07-31. Review status: no assertion criteria provided. Collection method: clinical testing. Allele origin: germline. Not counted in ClinVar's aggregate classification.
Comment: This variant is classified as likely benign based on ACMG/AMP sequence variant interpretation guidelines (Richards et al. 2015 PMID: 25741868, with internal and published modifications).